The following is an entry in ClinVar:

NM_213599.3(ANO5):c.1333-2A>T

Gene: ANO5 (anoctamin 5; plus strand). Cytogenetic location: 11p14.3.
Variant type: single nucleotide variant.
Coding change: c.1333-2A>T on transcript NM_213599.3 (MANE Select); the canonical splice acceptor site of the intron before coding-DNA position 1333, A replaced by T.
Molecular consequence: splice acceptor variant.
Genome position (GRCh38, 1-based): chr11:22,257,678, A>T. VCF-style: chr11-22257678-A-T. GRCh37 (hg19) VCF-style: chr11-22279224-A-T.
Other names: c.1291-2A>T (NM_001410963.1); c.1330-2A>T (NM_001142649.2); c.1288-2A>T (NM_001410964.1).
Identifiers: ClinVar variation 1464915 (VCV001464915.6), dbSNP rs2133730668, ClinGen allele CA379921703.

ClinVar aggregate classification (germline): Likely pathogenic (1 of 4 stars; one submission).

Conditions:
Gnathodiaphyseal dysplasia (GDD). Also called: GNATHODIAPHYSEAL SCLEROSIS; OSTEOGENESIS IMPERFECTA WITH UNUSUAL SKELETAL LESIONS. Identifiers: Orphanet 53697, MedGen C1833736, MONDO:0008151, OMIM 166260.
Autosomal recessive limb-girdle muscular dystrophy type 2L (LGMDR12). Also called: Limb-girdle muscular dystrophy, type 2L; MUSCULAR DYSTROPHY, LIMB-GIRDLE, AUTOSOMAL RECESSIVE 12; Limb-Girdle Muscular Dystrophy R12 Anoctamin-5-Related (LGMD-R12). Identifiers: Orphanet 206549, MedGen C1969785, MONDO:0012652, OMIM 611307.

Submission:

Labcorp Genetics (formerly Invitae), Labcorp
Classification: Likely pathogenic for Autosomal recessive limb-girdle muscular dystrophy type 2L; Gnathodiaphyseal dysplasia. Last evaluated: 2021-11-26. Review status: criteria provided, single submitter. Criteria: Invitae Variant Classification Sherloc (09022015). Collection method: clinical testing. Allele origin: germline.
Comment: In summary, the currently available evidence indicates that the variant is pathogenic, but additional data are needed to prove that conclusively. Therefore, this variant has been classified as Likely Pathogenic. Algorithms developed to predict the effect of sequence changes on RNA splicing suggest that this variant may disrupt the consensus splice site. This variant has not been reported in the literature in individuals affected with ANO5-related conditions. This variant is not present in population databases (gnomAD no frequency). This sequence change affects an acceptor splice site in intron 13 of the ANO5 gene. It is expected to disrupt RNA splicing. Variants that disrupt the donor or acceptor splice site typically lead to a loss of protein function (PMID: 16199547), and loss-of-function variants in ANO5 are known to be pathogenic (PMID: 21186264, 23606453, 25891276, 30919934).

Literature cited by the submitters: PubMed 16199547; PubMed 21186264; PubMed 23606453; PubMed 25891276; PubMed 30919934.